The following is an entry in ClinVar:

NM_001122769.3(LCA5):c.*1528G>A

Gene: LCA5 (lebercilin LCA5; minus strand). Cytogenetic location: 6q14.1.
Variant type: single nucleotide variant.
Coding change: c.*1528G>A on transcript NM_001122769.3 (MANE Select); 1528 bases downstream of the stop codon, G replaced by A.
Molecular consequence: 3 prime UTR variant.
Genome position (GRCh38, 1-based): chr6:79,485,476, C>T on the plus strand (G>A on the coding strand, the complement: LCA5 is on the minus strand). VCF-style: chr6-79485476-C-T. GRCh37 (hg19) VCF-style: chr6-80195193-C-T.
Other names: c.*1528G>A (NM_181714.4).
Identifiers: ClinVar variation 358071 (VCV000358071.6), dbSNP rs41269343, ClinGen allele CA10627659.
Genomic context (GRCh38, chr6:79,485,476, plus strand): 5'-ATTTGCAACATATTATAGTAAATGGTTATACATATCAGACATACAAATCTATTAAGAAAA[C>T]TTTTTAATATAGTTTAGCACTTTTGAGAGATTCTGTTCCCAATAAATGAAAGGAACACAA-3'

ClinVar aggregate classification (germline): Likely benign. Review status: criteria provided, multiple submitters, no conflicts (2 of 4 stars). 2 submissions from 2 submitters: Likely benign (2). Last evaluated 2018-01-13.

Conditions:
Leber congenital amaurosis 5 (LCA5). Also called: Amaurosis congenita of Leber, type 5. Identifiers: Orphanet 65, MedGen C1858301, MONDO:0011473, OMIM 604537.

Allele frequency attached by ClinVar (database versions not stated): 1000 Genomes Project 0.06949; TOPMed 0.10964; gnomAD 0.11829; gnomAD exomes 0.13636.
gnomAD v4.1: 17,339 of 152,348 alleles (11%); highest among the groups gnomAD compares: Non-Finnish European, 13%; 1,107 homozygotes.

Submissions (2):

Illumina Laboratory Services, Illumina
Classification: Likely benign for Leber congenital amaurosis 5. Last evaluated: 2018-01-13. Review status: criteria provided, single submitter. Criteria: ICSL Variant Classification Criteria 13 December 2019. Collection method: clinical testing. Allele origin: germline.
Comment: This variant was observed in the ICSL laboratory as part of a predisposition screen in an ostensibly healthy population. It had not been previously curated by ICSL or reported in the Human Gene Mutation Database (HGMD: prior to June 1st, 2018), and was therefore a candidate for classification through an automated scoring system. Utilizing variant allele frequency, disease prevalence and penetrance estimates, and inheritance mode, an automated score was calculated to assess if this variant is too frequent to cause the disease. Based on the score and internal cut-off values, a variant classified as likely benign is not then subjected to further curation. The score for this variant resulted in a classification of likely benign for this disease.

Breakthrough Genomics
Classification: Likely benign. Review status: criteria provided, single submitter. Criteria: ACMG Guidelines, 2015. Collection method: not provided. Allele origin: germline. Inheritance: Autosomal recessive inheritance. Affected: yes.